The following is an entry in ClinVar:

NM_007294.4(BRCA1):c.1257A>G (p.Val419=)

Gene: BRCA1 (BRCA1 DNA repair associated; minus strand). Cytogenetic location: 17q21.31.
Variant type: single nucleotide variant.
Coding change: c.1257A>G on transcript NM_007294.4 (MANE Select); coding-DNA position 1257, A replaced by G.
Protein change: p.Val419=; no amino-acid change (valine 419 retained).
Molecular consequence: synonymous variant. On other transcripts: intron variant (137).
Genome position (GRCh38, 1-based): chr17:43,094,274, T>C on the plus strand (A>G on the coding strand, the complement: BRCA1 is on the minus strand). VCF-style: chr17-43094274-T-C. GRCh37 (hg19) VCF-style: chr17-41246291-T-C.
Other names: c.1257A>G, p.Val419= (NM_001407626.1, NM_001407639.1, NM_001407640.1 and 30 more transcripts); c.1254A>G, p.Val418= (NM_001407627.1, NM_001407628.1, NM_001407629.1 and 22 more transcripts); c.1248A>G, p.Val416= (NM_001407646.1, NM_001407647.1); c.1134A>G, p.Val378= (NM_001407648.1, NM_001407664.1, NM_001407665.1 and 19 more transcripts); c.1131A>G, p.Val377= (NM_001407649.1, NM_001407670.1, NM_001407671.1 and 11 more transcripts); c.1179A>G, p.Val393= (NM_001407653.1, NM_001407654.1, NM_001407655.1 and 4 more transcripts); c.1176A>G, p.Val392= (NM_001407659.1, NM_001407660.1, NM_001407661.1 and 1 more transcripts); c.1116A>G, p.Val372= (NM_001407692.1, NM_001407694.1, NM_001407695.1 and 29 more transcripts); and 40 more.
Identifiers: ClinVar variation 482888 (VCV000482888.19), dbSNP rs751690840, ClinGen allele CA500233464.
Genomic context (GRCh38, chr17:43,094,274, plus strand): 5'-AGCCTCATGAGGATCACTGGCCAGTAAGTCTATTTTCTCTGAAGAACCAGAATATTCATC[T>C]ACCTCATTTAGAACGTCCAATACATCAGCTACTTTGGCATTTGATTCAGACTCCCCATCA-3'
Protein context (NP_009225.1, residues 409-429): VADVLDVLNE[Val419=]DEYSGSSEKI

ClinVar aggregate classification (germline): Likely benign. Review status: criteria provided, multiple submitters, no conflicts (2 of 4 stars). 5 submissions from 5 submitters: Likely benign (4). 1 of the submissions does not count toward it. Last evaluated 2023-08-15.

Conditions:
Hereditary cancer-predisposing syndrome. Also called: Tumor predisposition; Hereditary Cancer Syndrome; Hereditary neoplastic syndrome; Neoplastic Syndromes, Hereditary. Identifiers: Orphanet 140162, MedGen C0027672, MeSH D009386, MONDO:0015356.
Hereditary breast ovarian cancer syndrome. Also called: Breast and ovarian cancer; Hereditary breast and/or ovarian cancer syndrome; BRCA1- and BRCA2-Associated Hereditary Breast and Ovarian Cancer; Hereditary breast and ovarian cancer syndrome; Hereditary breast and ovarian cancer syndrome (HBOC); Hereditary breast and ovarian cancer. Identifiers: Orphanet 145, MedGen C0677776, MeSH D061325, MONDO:0003582. Disease mechanism: loss of function.
Breast-ovarian cancer, familial, susceptibility to, 1 (BROVCA1). Also called: BRCA1 Hereditary Breast and Ovarian Cancer; OVARIAN CANCER, SUSCEPTIBILITY TO. Identifiers: Orphanet 145, MedGen C2676676, MONDO:0011450, OMIM 604370. Disease mechanism: loss of function.
BRCA1-related disorder. Also called: BRCA1-related condition.

Allele frequency attached by ClinVar (database versions not stated): TOPMed below 0.00001; gnomAD 0.00001.
gnomAD v4.1: 1 of 1,614,176 alleles (0.000062%); highest among the groups gnomAD compares: African/African-American, 0.0013%; no homozygotes.

Submissions (5):

All of Us Research Program, National Institutes of Health
Classification: Likely benign for Breast-ovarian cancer, familial, susceptibility to, 1. Last evaluated: 2023-08-15. Review status: criteria provided, single submitter. Criteria: ACMG Guidelines, 2015. Collection method: clinical testing. Allele origin: germline. Inheritance: Autosomal dominant inheritance. Observed: 1 variant allele, 1 heterozygote.
Comment: This study involves interpretation of variants in research participants for the purpose of population health screening. Participant phenotype was not available at the time of variant classification. Additional details can be found in publication PMID: 35346344, PMCID: PMC8962531

Labcorp Genetics (formerly Invitae), Labcorp
Classification: Likely benign for Hereditary breast ovarian cancer syndrome. Last evaluated: 2022-06-19. Review status: criteria provided, single submitter. Criteria: Invitae Variant Classification Sherloc (09022015). Collection method: clinical testing. Allele origin: germline.

Quest Diagnostics Nichols Institute San Juan Capistrano
Classification: Likely benign. Last evaluated: 2018-06-13. Review status: criteria provided, single submitter. Criteria: Quest Diagnostics criteria. Collection method: clinical testing. Allele origin: germline.

Ambry Genetics
Classification: Likely benign for Hereditary cancer-predisposing syndrome. Last evaluated: 2016-03-29. Review status: criteria provided, single submitter. Criteria: Ambry Variant Classification Scheme 2023. Collection method: clinical testing. Allele origin: germline.

PreventionGenetics, part of Exact Sciences
Classification: Likely benign for BRCA1-related condition. Last evaluated: 2023-08-18. Review status: no assertion criteria provided. Collection method: clinical testing. Allele origin: germline. Not counted in ClinVar's aggregate classification.
Comment: This variant is classified as likely benign based on ACMG/AMP sequence variant interpretation guidelines (Richards et al. 2015 PMID: 25741868, with internal and published modifications).